The following is an entry in ClinVar:

NM_006767.4(LZTR1):c.640T>C (p.Cys214Arg)

Gene: LZTR1 (leucine zipper like post translational regulator 1; plus strand). Cytogenetic location: 22q11.21.
Variant type: single nucleotide variant.
Coding change: c.640T>C on transcript NM_006767.4 (MANE Select); coding-DNA position 640, T replaced by C.
Protein change: p.Cys214Arg; replaces cysteine 214 with arginine.
Molecular consequence: missense variant.
Genome position (GRCh38, 1-based): chr22:20,989,671, T>C. VCF-style: chr22-20989671-T-C. GRCh37 (hg19) VCF-style: chr22-21343960-T-C.
Other names: short protein forms C214R.
Identifiers: ClinVar variation 1753382 (VCV001753382.2), dbSNP rs1292721559, ClinGen allele CA410780367.

ClinVar aggregate classification (germline): Uncertain significance (1 of 4 stars; one submission).

Conditions:
Cardiovascular phenotype. Identifiers: MedGen CN230736.
Hereditary cancer-predisposing syndrome. Also called: Neoplastic Syndromes, Hereditary; Tumor predisposition; Hereditary Cancer Syndrome; Hereditary neoplastic syndrome. Identifiers: Orphanet 140162, MedGen C0027672, MeSH D009386, MONDO:0015356.

Allele frequency attached by ClinVar (database versions not stated): gnomAD 0.00001.
gnomAD v4.1: 1 of 1,611,100 alleles (0.000062%); highest among the groups gnomAD compares: Non-Finnish European, 0.000085%; no homozygotes.

Submission:

Ambry Genetics
Classification: Uncertain significance for Cardiovascular phenotype; Hereditary cancer-predisposing syndrome. Last evaluated: 2022-05-09. Review status: criteria provided, single submitter. Criteria: Ambry Variant Classification Scheme 2023. Collection method: clinical testing. Allele origin: germline.
Comment: The p.C214R variant (also known as c.640T>C), located in coding exon 7 of the LZTR1 gene, results from a T to C substitution at nucleotide position 640. The cysteine at codon 214 is replaced by arginine, an amino acid with highly dissimilar properties. This amino acid position is conserved. In addition, this alteration is predicted to be tolerated by in silico analysis. Since supporting evidence is limited at this time, the clinical significance of this alteration remains unclear.